The following is an entry in ClinVar:

NM_001200.4(BMP2):c.1088C>T (p.Pro363Leu)

Gene: BMP2 (bone morphogenetic protein 2; plus strand). Cytogenetic location: 20p12.3.
Variant type: single nucleotide variant.
Coding change: c.1088C>T on transcript NM_001200.4 (MANE Select); coding-DNA position 1088, C replaced by T.
Protein change: p.Pro363Leu; replaces proline 363 with leucine.
Molecular consequence: missense variant.
Genome position (GRCh38, 1-based): chr20:6,778,986, C>T. VCF-style: chr20-6778986-C-T. GRCh37 (hg19) VCF-style: chr20-6759633-C-T.
Other names: short protein forms P363L.
Identifiers: ClinVar variation 4891083 (VCV004891083.1).

ClinVar aggregate classification (germline): Likely pathogenic (1 of 4 stars; one submission).

Conditions:
Short stature, facial dysmorphism, and skeletal anomalies with or without cardiac anomalies 1. Identifiers: MedGen C5542952, MONDO:0100297, OMIM 617877.

Submission:

Greenwood Genetic Center Diagnostic Laboratories, Greenwood Genetic Center
Classification: Likely pathogenic for Short stature, facial dysmorphism, and skeletal anomalies with or without cardiac anomalies 1. Last evaluated: 2026-05-18. Review status: criteria provided, single submitter. Criteria: ACMG Guidelines, 2015. Collection method: clinical testing. Allele origin: germline. Affected: yes.
Comment: PM6, PS3, PP3,